The following is an entry in ClinVar:

NM_000368.5(TSC1):c.3389A>G (p.Lys1130Arg)

Gene: TSC1 (TSC complex subunit 1; minus strand). Cytogenetic location: 9q34.13.
Variant type: single nucleotide variant.
Coding change: c.3389A>G on transcript NM_000368.5 (MANE Select); coding-DNA position 3389, A replaced by G.
Protein change: p.Lys1130Arg; replaces lysine 1130 with arginine.
Molecular consequence: missense variant.
Genome position (GRCh38, 1-based): chr9:132,896,341, T>C on the plus strand (A>G on the coding strand, the complement: TSC1 is on the minus strand). VCF-style: chr9-132896341-T-C. GRCh37 (hg19) VCF-style: chr9-135771728-T-C.
Other names: c.3386A>G, p.Lys1129Arg (NM_001162426.2); c.3236A>G, p.Lys1079Arg (NM_001162427.2); c.3026A>G, p.Lys1009Arg (NM_001362177.2); short protein forms K1079R, K1130R, K1009R, K1129R.
Identifiers: ClinVar variation 654828 (VCV000654828.15), dbSNP rs1588286359, ClinGen allele CA375366473.

ClinVar aggregate classification (germline): Conflicting classifications of pathogenicity. Review status: criteria provided, conflicting classifications (1 of 4 stars). 3 submissions from 3 submitters: Uncertain significance (2); Likely benign (1). Last evaluated 2026-07-30.

Conditions:
Hereditary cancer-predisposing syndrome. Also called: Neoplastic Syndromes, Hereditary; Hereditary Cancer Syndrome; Hereditary neoplastic syndrome; Tumor predisposition. Identifiers: Orphanet 140162, MedGen C0027672, MeSH D009386, MONDO:0015356.
Tuberous sclerosis 1 (TSC1). Identifiers: Orphanet 805, MedGen C1854465, MONDO:0008612, OMIM 191100.

Allele frequency attached by ClinVar (database versions not stated): gnomAD exomes below 0.00001.
gnomAD v4.1: 5 of 1,614,244 alleles (0.00031%); highest among the groups gnomAD compares: Non-Finnish European, 0.00042%; no homozygotes.

Submissions (3):

Ambry Genetics
Classification: Likely benign for Hereditary cancer-predisposing syndrome. Last evaluated: 2026-07-30. Review status: criteria provided, single submitter. Criteria: Ambry Variant Classification Scheme 2023. Collection method: clinical testing. Allele origin: germline.

Labcorp Genetics (formerly Invitae), Labcorp
Classification: Uncertain significance for Tuberous sclerosis 1. Last evaluated: 2025-11-14. Review status: criteria provided, single submitter. Criteria: Invitae Variant Classification Sherloc (09022015). Collection method: clinical testing. Allele origin: germline.
Comment: This sequence change replaces lysine, which is basic and polar, with arginine, which is basic and polar, at codon 1130 of the TSC1 protein (p.Lys1130Arg). This variant is not present in population databases (gnomAD no frequency). This variant has not been reported in the literature in individuals affected with TSC1-related conditions. ClinVar contains an entry for this variant (Variation ID: 654828). Invitae Evidence Modeling of protein sequence and biophysical properties (such as structural, functional, and spatial information, amino acid conservation, physicochemical variation, residue mobility, and thermodynamic stability) indicates that this missense variant is not expected to disrupt TSC1 protein function with a negative predictive value of 95%. In summary, the available evidence is currently insufficient to determine the role of this variant in disease. Therefore, it has been classified as a Variant of Uncertain Significance.

GeneDx
Classification: Uncertain significance. Last evaluated: 2024-11-21. Review status: criteria provided, single submitter. Criteria: GeneDx Variant Classification Process June 2021. Collection method: clinical testing. Allele origin: germline. Affected: yes.
Comment: Not observed at significant frequency in large population cohorts (gnomAD); In silico analysis indicates that this missense variant does not alter protein structure/function; Has not been previously published as pathogenic or benign to our knowledge